The following is an entry in ClinVar:

ClinVar aggregate classification (germline): Uncertain significance. Review status: criteria provided, multiple submitters, no conflicts (2 of 4 stars). 2 submissions from 2 submitters: Uncertain significance (2). Last evaluated 2022-08-30.

Conditions:
Sulfite oxidase deficiency due to molybdenum cofactor deficiency type A. Also called: Molybdenum Cofactor Deficiency A; Molybdenum cofactor deficiency, complementation group A. Identifiers: Orphanet 308386, Orphanet 833, MedGen C1854988, MONDO:0009643, OMIM 252150.

Allele frequency attached by ClinVar (database versions not stated): ExAC 0.00001.
gnomAD v4.1: 29 of 1,611,668 alleles (0.0018%); highest among the groups gnomAD compares: Non-Finnish European, 0.0022%; no homozygotes.

Submissions (2):

Blueprint Genetics
Classification: Uncertain significance. Last evaluated: 2022-08-30. Review status: criteria provided, single submitter. Criteria: ACMG Guidelines, 2015. Collection method: clinical testing. Allele origin: germline.

Labcorp Genetics (formerly Invitae), Labcorp
Classification: Uncertain significance for Sulfite oxidase deficiency due to molybdenum cofactor deficiency type A. Last evaluated: 2021-09-18. Review status: criteria provided, single submitter. Criteria: Invitae Variant Classification Sherloc (09022015). Collection method: clinical testing. Allele origin: germline.
Comment: This sequence change replaces glutamic acid with aspartic acid at codon 188 of the MOCS1 protein (p.Glu188Asp). The glutamic acid residue is highly conserved and there is a small physicochemical difference between glutamic acid and aspartic acid. This variant is present in population databases (rs780263625, ExAC 0.002%). This variant has not been reported in the literature in individuals affected with MOCS1-related conditions. Algorithms developed to predict the effect of missense changes on protein structure and function are either unavailable or do not agree on the potential impact of this missense change (SIFT: "Tolerated"; PolyPhen-2: "Possibly Damaging"; Align-GVGD: "Class C0"). In summary, the available evidence is currently insufficient to determine the role of this variant in disease. Therefore, it has been classified as a Variant of Uncertain Significance.

NM_001358530.2(MOCS1):c.564G>T (p.Glu188Asp)

Gene: MOCS1 (molybdenum cofactor synthesis 1; minus strand). Cytogenetic location: 6p21.2.
Variant type: single nucleotide variant.
Coding change: c.564G>T on transcript NM_001358530.2 (MANE Select); coding-DNA position 564, G replaced by T.
Protein change: p.Glu188Asp; replaces glutamic acid 188 with aspartic acid.
Molecular consequence: missense variant. On other transcripts: non-coding transcript variant (1).
Genome position (GRCh38, 1-based): chr6:39,916,087, C>A on the plus strand (G>T on the coding strand, the complement: MOCS1 is on the minus strand). VCF-style: chr6-39916087-C-A. GRCh37 (hg19) VCF-style: chr6-39883831-C-A.
Other names: c.564G>T, p.Glu188Asp (NM_001075098.4, NM_001358529.2, NM_005943.6); c.303G>T, p.Glu101Asp (NM_001358531.2, NM_001358533.2, NM_001358534.2); short protein forms E101D, E188D.
Identifiers: ClinVar variation 1520132 (VCV001520132.4), dbSNP rs780263625, ClinGen allele CA3796251.